The following is an entry in ClinVar:

ClinVar aggregate classification (germline): Likely pathogenic (1 of 4 stars; one submission).

Conditions:
Intellectual disability-severe speech delay-mild dysmorphism syndrome (IDDLA). Also called: Intellectual developmental disorder with language impairment AND with or without autistic features; Mental retardation with language impairment and autistic features; FOXP1 Syndrome. Identifiers: Orphanet 391372, MedGen C4013764, MONDO:0013352, OMIM 613670.

Submission:

Institute of Human Genetics, University of Leipzig Medical Center
Classification: Likely pathogenic for Intellectual disability-severe speech delay-mild dysmorphism syndrome. Last evaluated: 2022-01-18. Review status: criteria provided, single submitter. Criteria: ACMG Guidelines, 2015. Collection method: clinical testing. Allele origin: unknown. Affected: yes.
Comment: _x000D_ Criteria applied: PVS1, PM2_SUP

NM_001349338.3(FOXP1):c.484C>T (p.Gln162Ter)

Gene: FOXP1 (forkhead box P1; minus strand). Cytogenetic location: 3p13.
Variant type: single nucleotide variant.
Coding change: c.484C>T on transcript NM_001349338.3 (MANE Select); coding-DNA position 484, C replaced by T.
Protein change: p.Gln162Ter; replaces glutamine 162 with a stop codon.
Molecular consequence: nonsense. On other transcripts: non-coding transcript variant (2), intron variant (1).
Genome position (GRCh38, 1-based): chr3:71,052,563, G>A on the plus strand (C>T on the coding strand, the complement: FOXP1 is on the minus strand). VCF-style: chr3-71052563-G-A. GRCh37 (hg19) VCF-style: chr3-71101714-G-A.
Other names: c.484C>T, p.Gln162Ter (NM_001244808.3, NM_001244810.2, NM_001244814.3 and 3 more transcripts); c.184C>T, p.Gln62Ter (NM_001244813.3, NM_001244815.2, NM_001349342.3 and 1 more transcripts); c.181C>T, p.Gln61Ter (NM_001349337.2, NM_001349343.3, NM_001349344.3); c.481C>T, p.Gln161Ter (NM_001349341.3); c.283-5468C>T (NM_001244812.3); short protein forms Q161*, Q162*, Q61*, Q62*.
Identifiers: ClinVar variation 1338799 (VCV001338799.1), dbSNP rs2107113697, ClinGen allele CA353563678.